The following is an entry in ClinVar:

ClinVar aggregate classification (germline): Conflicting classifications of pathogenicity. Review status: criteria provided, conflicting classifications (1 of 4 stars). 3 submissions from 3 submitters: Likely pathogenic (1); Uncertain significance (1). 1 of the submissions does not count toward it. Last evaluated 2024-06-14.

Conditions:
Charcot-Marie-Tooth Neuropathy X. Identifiers: MedGen CN118851.
Charcot-Marie-Tooth disease. Also called: Charcot-Marie-Tooth Neuropathy; Charcot-Marie-Tooth Hereditary Neuropathy. Identifiers: Orphanet 166, MedGen C0007959, MONDO:0015626.

Allele frequency attached by ClinVar (database versions not stated): TOPMed below 0.00001; gnomAD exomes 0.00001.
gnomAD v4.1: 6 of 1,207,881 alleles (0.0005%); highest among the groups gnomAD compares: Non-Finnish European, 0.00067%; no homozygotes.

Submissions (3):

Labcorp Genetics (formerly Invitae), Labcorp
Classification: Likely pathogenic for Charcot-Marie-Tooth Neuropathy X. Last evaluated: 2024-06-14. Review status: criteria provided, single submitter. Criteria: Invitae Variant Classification Sherloc (09022015). Collection method: clinical testing. Allele origin: germline.
Comment: This sequence change replaces histidine, which is basic and polar, with tyrosine, which is neutral and polar, at codon 126 of the GJB1 protein (p.His126Tyr). This variant is not present in population databases (gnomAD no frequency). This missense change has been observed in individuals with Charcot-Marie-Tooth disease (PMID: 11030070, 28768847, 32376792). ClinVar contains an entry for this variant (Variation ID: 245904). Advanced modeling of protein sequence and biophysical properties (such as structural, functional, and spatial information, amino acid conservation, physicochemical variation, residue mobility, and thermodynamic stability) performed at Invitae indicates that this missense variant is not expected to disrupt GJB1 protein function with a negative predictive value of 80%. In summary, the currently available evidence indicates that the variant is pathogenic, but additional data are needed to prove that conclusively. Therefore, this variant has been classified as Likely Pathogenic.

GeneDx
Classification: Uncertain significance. Last evaluated: 2023-02-16. Review status: criteria provided, single submitter. Criteria: GeneDx Variant Classification Process June 2021. Collection method: clinical testing. Allele origin: germline. Affected: yes.
Comment: Observed in multiple unrelated individuals with Charcot-Marie-Tooth disease (Panosyan et al., 2017; Verhelst et al., 2000; Volodarsky et al., 2021); Not observed at significant frequency in large population cohorts (gnomAD); Missense variants in this gene are often considered pathogenic (HGMD); In silico analysis supports that this missense variant does not alter protein structure/function; This variant is associated with the following publications: (PMID: 28768847, 11030070, 32376792)

Inherited Neuropathy Consortium
Classification: Uncertain significance for Charcot-Marie-Tooth disease. Review status: no assertion criteria provided. Collection method: literature only. Allele origin: germline. Affected: yes. Not counted in ClinVar's aggregate classification.

Literature cited by the submitters: PubMed 11030070 (cited by Labcorp Genetics (formerly Invitae), Labcorp and Inherited Neuropathy Consortium); PubMed 28768847 (cited by Labcorp Genetics (formerly Invitae), Labcorp); PubMed 32376792 (cited by Labcorp Genetics (formerly Invitae), Labcorp).

NM_000166.6(GJB1):c.376C>T (p.His126Tyr)

Gene: GJB1 (gap junction protein beta 1; plus strand). Cytogenetic location: Xq13.1.
Variant type: single nucleotide variant.
Coding change: c.376C>T on transcript NM_000166.6 (MANE Select); coding-DNA position 376, C replaced by T.
Protein change: p.His126Tyr; replaces histidine 126 with tyrosine.
Molecular consequence: missense variant.
Genome position (GRCh38, 1-based): chrX:71,224,083, C>T. VCF-style: chrX-71224083-C-T. GRCh37 (hg19) VCF-style: chrX-70443933-C-T.
Other names: c.376C>T, p.His126Tyr (NM_001097642.3); short protein forms H126Y.
Identifiers: ClinVar variation 245904 (VCV000245904.11), dbSNP rs879253995, ClinGen allele CA10584639.
Genomic context (GRCh38, chrX:71,224,083, plus strand): 5'-CTACGGCTTGAGGGCCATGGGGACCCCCTACACCTGGAGGAGGTGAAGAGGCACAAGGTC[C>T]ACATCTCAGGGACACTGTGGTGGACCTATGTCATCAGCGTGGTGTTCCGGCTGTTGTTTG-3'
Protein context (NP_000157.1, residues 116-136): HLEEVKRHKV[His126Tyr]ISGTLWWTYV